The following is an entry in ClinVar:

NM_006231.4(POLE):c.4291-3del

Gene: POLE (DNA polymerase epsilon, catalytic subunit; minus strand). Cytogenetic location: 12q24.33.
Variant type: Deletion.
Coding change: c.4291-3del on transcript NM_006231.4 (MANE Select); 3 bases into the intron before coding-DNA position 4291, one base deleted (C; older notation c.4291-3delC).
Molecular consequence: intron variant.
Genome position (GRCh38, 1-based): chr12:132,643,563, G deleted on the plus strand (C on the coding strand, the reverse complement: POLE is on the minus strand); the first of 2 consecutive G bases (chr12:132,643,563-132,643,564); deleting either gives the same sequence. VCF-style (leftmost placement, unchanged base first): chr12-132643562-TG-T. GRCh37 (hg19) VCF-style: chr12-133220148-TG-T.
Other names: c.4291-3delC (NM_006231.3, NM_006231.2).
Identifiers: ClinVar variation 405676 (VCV000405676.12), dbSNP rs1060500805, ClinGen allele CA16613582.

ClinVar aggregate classification (germline): Conflicting classifications of pathogenicity. Review status: criteria provided, conflicting classifications (1 of 4 stars). 2 submissions from 2 submitters: Uncertain significance (1); Likely benign (1). Last evaluated 2025-01-30.

Conditions:
Hereditary cancer-predisposing syndrome. Also called: Hereditary Cancer Syndrome; Hereditary neoplastic syndrome; Neoplastic Syndromes, Hereditary; Tumor predisposition. Identifiers: Orphanet 140162, MedGen C0027672, MeSH D009386, MONDO:0015356.

Submissions (2):

Ambry Genetics
Classification: Uncertain significance for Hereditary cancer-predisposing syndrome. Last evaluated: 2025-01-30. Review status: criteria provided, single submitter. Criteria: Ambry Variant Classification Scheme 2023. Collection method: clinical testing. Allele origin: germline.
Comment: The c.4291-3delC intronic variant, located in intron 33 of the POLE gene, results from a deletion of one nucleotide within intron 33 of the POLE gene. This nucleotide position is not well conserved in available vertebrate species. In silico splice site analysis predicts that this alteration will not have any significant effect on splicing. Based on the available evidence, the clinical significance of this variant remains unclear.

Labcorp Genetics (formerly Invitae), Labcorp
Classification: Likely benign. Last evaluated: 2024-12-22. Review status: criteria provided, single submitter. Criteria: Invitae Variant Classification Sherloc (09022015). Collection method: clinical testing. Allele origin: germline.